The following is an entry in ClinVar:

ClinVar aggregate classification (germline): Uncertain significance (1 of 4 stars; one submission).

Allele frequency attached by ClinVar (database versions not stated): TOPMed below 0.00001; gnomAD 0.00001.
gnomAD v4.1: 1 of 1,551,624 alleles (0.000064%); highest among the groups gnomAD compares: Non-Finnish European, 0.000087%; no homozygotes.

Submission:

GeneDx
Classification: Uncertain significance. Last evaluated: 2023-04-29. Review status: criteria provided, single submitter. Criteria: GeneDx Variant Classification Process June 2021. Collection method: clinical testing. Allele origin: germline. Affected: yes.
Comment: Not observed at significant frequency in large population cohorts (gnomAD); In silico analysis supports that this missense variant does not alter protein structure/function; Has not been previously published as pathogenic or benign to our knowledge

NM_001367479.1(DNAH14):c.2845G>A (p.Ala949Thr)

Gene: DNAH14 (dynein axonemal heavy chain 14; plus strand). Cytogenetic location: 1q42.12.
Variant type: single nucleotide variant.
Coding change: c.2845G>A on transcript NM_001367479.1 (MANE Select); coding-DNA position 2845, G replaced by A.
Protein change: p.Ala949Thr; replaces alanine 949 with threonine.
Molecular consequence: missense variant.
Genome position (GRCh38, 1-based): chr1:225,080,457, G>A. VCF-style: chr1-225080457-G-A. GRCh37 (hg19) VCF-style: chr1-225268159-G-A.
Other names: NM_001373.1:c.2845G>A; short protein forms A949T.
Identifiers: ClinVar variation 2662734 (VCV002662734.1), dbSNP rs1358974846, ClinGen allele CA344978341.